The following is an entry in ClinVar:

NM_199420.4(POLQ):c.5741A>G (p.Tyr1914Cys)

Gene: POLQ (DNA polymerase theta; minus strand). Cytogenetic location: 3q13.33.
Variant type: single nucleotide variant.
Coding change: c.5741A>G on transcript NM_199420.4 (MANE Select); coding-DNA position 5741, A replaced by G.
Protein change: p.Tyr1914Cys; replaces tyrosine 1914 with cysteine.
Molecular consequence: missense variant.
Genome position (GRCh38, 1-based): chr3:121,485,073, T>C on the plus strand (A>G on the coding strand, the complement: POLQ is on the minus strand). VCF-style: chr3-121485073-T-C. GRCh37 (hg19) VCF-style: chr3-121203920-T-C.
Other names: short protein forms Y1914C.
Identifiers: ClinVar variation 1749392 (VCV001749392.2), dbSNP rs2546782880, ClinGen allele CA354089022.

ClinVar aggregate classification (germline): Uncertain significance (1 of 4 stars; one submission).

Submission:

Ambry Genetics
Classification: Uncertain significance. Last evaluated: 2022-01-16. Review status: criteria provided, single submitter. Criteria: Ambry Variant Classification Scheme 2023. Collection method: clinical testing. Allele origin: germline.
Comment: The p.Y1914C variant (also known as c.5741A>G), located in coding exon 17 of the POLQ gene, results from an A to G substitution at nucleotide position 5741. The tyrosine at codon 1914 is replaced by cysteine, an amino acid with highly dissimilar properties. This amino acid position is conserved. In addition, the in silico prediction for this alteration is inconclusive. Since supporting evidence is limited at this time, the clinical significance of this alteration remains unclear.